The following is an entry in ClinVar:

ClinVar aggregate classification (germline): Benign/Likely benign. Review status: criteria provided, multiple submitters, no conflicts (2 of 4 stars). 4 submissions from 4 submitters: Benign (1); Likely benign (2). 1 of the submissions does not count toward it. Last evaluated 2026-01-26.

Conditions:
KAT6B-related disorder. Also called: KAT6B-related disorders; KAT6B-related condition.
Genitopatellar syndrome (GTPTS). Also called: Genitopatellar syndrome (GPS); ABSENT PATELLAE, SCROTAL HYPOPLASIA, RENAL ANOMALIES, FACIAL DYSMORPHISM, AND MENTAL RETARDATION. Identifiers: Orphanet 85201, MedGen C1853566, MONDO:0011640, OMIM 606170.

Allele frequency attached by ClinVar (database versions not stated): ESP Exome Variant Server 0.00008; gnomAD exomes 0.00012; 1000 Genomes Project 30x 0.00016; 1000 Genomes Project 0.00020; gnomAD 0.00021; TOPMed 0.00034.
gnomAD v4.1: 208 of 1,613,346 alleles (0.013%); highest among the groups gnomAD compares: East Asian, 0.23%; no homozygotes.

Submissions (4):

Labcorp Genetics (formerly Invitae), Labcorp
Classification: Likely benign for Genitopatellar syndrome. Last evaluated: 2026-01-26. Review status: criteria provided, single submitter. Criteria: Invitae Variant Classification Sherloc (09022015). Collection method: clinical testing. Allele origin: germline.

Blueprint Genetics
Classification: Likely benign. Last evaluated: 2023-04-28. Review status: criteria provided, single submitter. Criteria: ACMG Guidelines, 2015. Collection method: clinical testing. Allele origin: germline.

GeneDx
Classification: Benign. Last evaluated: 2020-09-05. Review status: criteria provided, single submitter. Criteria: GeneDx Variant Classification Process June 2021. Collection method: clinical testing. Allele origin: germline. Affected: yes.

PreventionGenetics, part of Exact Sciences
Classification: Likely benign for KAT6B-related condition. Last evaluated: 2024-04-18. Review status: no assertion criteria provided. Collection method: clinical testing. Allele origin: germline. Not counted in ClinVar's aggregate classification.
Comment: This variant is classified as likely benign based on ACMG/AMP sequence variant interpretation guidelines (Richards et al. 2015 PMID: 25741868, with internal and published modifications).

NM_012330.4(KAT6B):c.1025T>C (p.Ile342Thr)

Gene: KAT6B (lysine acetyltransferase 6B; plus strand). Cytogenetic location: 10q22.2.
Variant type: single nucleotide variant.
Coding change: c.1025T>C on transcript NM_012330.4 (MANE Select); coding-DNA position 1025, T replaced by C.
Protein change: p.Ile342Thr; replaces isoleucine 342 with threonine.
Molecular consequence: missense variant. On other transcripts: intron variant (5).
Genome position (GRCh38, 1-based): chr10:74,972,603, T>C. VCF-style: chr10-74972603-T-C. GRCh37 (hg19) VCF-style: chr10-76732361-T-C.
Other names: c.1025T>C, p.Ile342Thr (NM_001256468.2, NM_001256469.2, NM_001370132.1 and 7 more transcripts); c.846+2828T>C (NM_001370133.1); c.193-6621T>C (NM_001370134.1); c.928+2502T>C (NM_001370143.1, NM_001370144.1); c.192+12525T>C (NM_001370135.1); short protein forms I342T.
Identifiers: ClinVar variation 1242956 (VCV001242956.12), dbSNP rs182392778, ClinGen allele CA5564348.